The following is an entry in ClinVar:

NM_000053.4(ATP7B):c.3209C>G (p.Pro1070Arg)

Gene: ATP7B (ATPase copper transporting beta; minus strand). Cytogenetic location: 13q14.3.
Variant type: single nucleotide variant.
Coding change: c.3209C>G on transcript NM_000053.4 (MANE Select); coding-DNA position 3209, C replaced by G.
Protein change: p.Pro1070Arg; replaces proline 1070 with arginine.
Molecular consequence: missense variant. On other transcripts: intron variant (1).
Genome position (GRCh38, 1-based): chr13:51,944,143, G>C on the plus strand (C>G on the coding strand, the complement: ATP7B is on the minus strand). VCF-style: chr13-51944143-G-C. GRCh37 (hg19) VCF-style: chr13-52518279-G-C.
Other names: c.3209C>G, p.Pro1070Arg (NM_001406526.1, NM_001406511.1, NM_001406512.1); c.2975C>G, p.Pro992Arg (NM_001406527.1, NM_001406528.1, NM_001330578.2 and 1 more transcripts); c.2969C>G, p.Pro990Arg (NM_001406530.1); c.2957C>G, p.Pro986Arg (NM_001406531.1, NM_001406532.1, NM_001330579.2); c.2921C>G, p.Pro974Arg (NM_001406534.1); c.2879C>G, p.Pro960Arg (NM_001406535.1, NM_001406536.1); c.2366C>G, p.Pro789Arg (NM_001406547.1); c.1919C>G, p.Pro640Arg (NM_001406548.1); and 19 more; short protein forms P1005R, P1011R, P1022R, P1025R, P1038R, P1052R, P1059R, P1068R.
Identifiers: ClinVar variation 2579959 (VCV002579959.4), dbSNP rs1173623580, ClinGen allele CA388029864.
Genomic context (GRCh38, chr13:51,944,143, plus strand): 5'-GCAGGGCCACGCCCAAGTCCACGTACCTCTTTACAGTATTTGGTGACTGCCACGCCCAAG[G>C]GGTGTTCACTGCTGGCCTCCGCAGTCCCCACCACAGCCAGAACCTTCCTGAGGGGCAGTG-3'
Protein context (NP_000044.2, residues 1060-1080): VGTAEASSEH[Pro1070Arg]LGVAVTKYCK

ClinVar aggregate classification (germline): Conflicting classifications of pathogenicity. Review status: criteria provided, conflicting classifications (1 of 4 stars). 3 submissions from 3 submitters: Likely pathogenic (1); Uncertain significance (2). Last evaluated 2026-06-23.

Conditions:
ATP7B-related disorder. Also called: ATP7B-related condition.

gnomAD v4.1: 5 of 1,614,096 alleles (0.00031%); highest among the groups gnomAD compares: Non-Finnish European, 0.000085%; no homozygotes.

Submissions (3):

PreventionGenetics, part of Exact Sciences
Classification: Uncertain significance for ATP7B-related condition. Last evaluated: 2026-06-23. Review status: criteria provided, single submitter. Criteria: ACMG Guidelines, 2015. Collection method: clinical testing. Allele origin: germline.
Comment: The ATP7B c.3209C>G variant is predicted to result in the amino acid substitution p.Pro1070Arg. This variant has been reported in the compound heterozygous in an individual with Wilson disease (Han et al. 2025. PubMed ID: 40629618). This variant was reported in an additional individual with Wilson disease, however inheritance status was not indicated (Dong et al. 2016. PubMed ID: 27022412). It has also been reported in Wilson disease cohorts without individual patient details (Zhang et al. 2016. PubMed ID: 27706781; Li et al. 2021. PubMed ID: 34470610). Additionally, it has been reported in an individual with major depressive disorder (Sriretnakumar et al. 2018. PubMed ID: 30556376). This variant is reported in 0.0099% of alleles in individuals of Ashkenazi Jewish descent in gnomAD. Although we suspect that this variant may be pathogenic, at this time, the clinical significance of this variant is uncertain due to the absence of conclusive functional and genetic evidence.

Women's Health and Genetics/Laboratory Corporation of America, LabCorp
Classification: Uncertain significance. Last evaluated: 2024-03-14. Review status: criteria provided, single submitter. Criteria: LabCorp Variant Classification Summary - May 2015. Collection method: clinical testing. Allele origin: germline.
Comment: Variant summary: ATP7B c.3209C>G (p.Pro1070Arg) results in a non-conservative amino acid change located in the heavy metal translocating P-type ATPase domain (IPR027256) of the encoded protein sequence. Five of five in-silico tools predict a damaging effect of the variant on protein function. The variant allele was found at a frequency of 8e-06 in 249398 control chromosomes. The available data on variant occurrences in the general population are insufficient to allow any conclusion about variant significance. c.3209C>G has been reported in the literature in multiple individuals affected with Wilson Disease with unspecified genotypes (e.g. Dong_2016, Li_2021, Zhang_2016). These reports do not provide unequivocal conclusions about association of the variant with Wilson Disease. To our knowledge, no experimental evidence demonstrating an impact on protein function has been reported. The following publications have been ascertained in the context of this evaluation (PMID: 27022412, 34470610, 30556376, 27706781). ClinVar contains an entry for this variant (Variation ID: 2579959). Based on the evidence outlined above, the variant was classified as uncertain significance.

GeneDx
Classification: Likely pathogenic. Last evaluated: 2023-08-11. Review status: criteria provided, single submitter. Criteria: GeneDx Variant Classification Process June 2021. Collection method: clinical testing. Allele origin: germline. Affected: yes.
Comment: Not observed at significant frequency in large population cohorts (gnomAD); In silico analysis supports that this missense variant has a deleterious effect on protein structure/function; This variant is associated with the following publications: (PMID: 27022412, 30556376)

Literature cited by the submitters: PubMed 27022412 (cited by Women's Health and Genetics/Laboratory Corporation of America, LabCorp); PubMed 30556376 (cited by Women's Health and Genetics/Laboratory Corporation of America, LabCorp); PubMed 27706781 (cited by Women's Health and Genetics/Laboratory Corporation of America, LabCorp); PubMed 34470610 (cited by Women's Health and Genetics/Laboratory Corporation of America, LabCorp).